The following is an entry in ClinVar:

NM_003872.3(NRP2):c.1879G>A (p.Gly627Arg)

Gene: NRP2 (neuropilin 2; plus strand). Cytogenetic location: 2q33.3.
Variant type: single nucleotide variant.
Coding change: c.1879G>A on transcript NM_003872.3 (MANE Select); coding-DNA position 1879, G replaced by A.
Protein change: p.Gly627Arg; replaces glycine 627 with arginine.
Molecular consequence: missense variant.
Genome position (GRCh38, 1-based): chr2:205,749,817, G>A. VCF-style: chr2-205749817-G-A. GRCh37 (hg19) VCF-style: chr2-206614541-G-A.
Other names: c.1879G>A, p.Gly627Arg (NM_201267.2, NM_201279.2, NM_018534.4 and 1 more transcripts); short protein forms G627R.
Identifiers: ClinVar variation 2635671 (VCV002635671.2), dbSNP rs202118866, ClinGen allele CA2069251.

ClinVar aggregate classification (germline): Uncertain significance (1 of 4 stars; one submission).

Conditions:
NRP2-related disorder. Also called: NRP2-related condition.

Allele frequency attached by ClinVar (database versions not stated): 1000 Genomes Project 30x 0.00016; 1000 Genomes Project 0.00020.
gnomAD v4.1: 27 of 1,614,050 alleles (0.0017%); highest among the groups gnomAD compares: Non-Finnish European, 0.0023%; no homozygotes.

Submission:

PreventionGenetics, part of Exact Sciences
Classification: Uncertain significance for NRP2-related condition. Last evaluated: 2025-07-16. Review status: criteria provided, single submitter. Criteria: ACMG Guidelines, 2015. Collection method: clinical testing. Allele origin: germline.
Comment: The NRP2 c.1879G>A variant is predicted to result in the amino acid substitution p.Gly627Arg. To our knowledge, this variant has not been reported in the literature. This variant is reported in 0.0018% of alleles in individuals of European (non-Finnish) descent in gnomAD. At this time, the clinical significance of this variant is uncertain due to the absence of conclusive functional and genetic evidence.